The following is an entry in ClinVar:

NM_000085.5(CLCNKB):c.1183C>T (p.Arg395Trp)

Genes: CLCNKB (chloride voltage-gated channel Kb; plus strand), LOC106501713 (CLCNKB recombination region; plus strand). Cytogenetic location: 1p36.13.
Variant type: single nucleotide variant.
Coding change: c.1183C>T on transcript NM_000085.5 (MANE Select); coding-DNA position 1183, C replaced by T.
Protein change: p.Arg395Trp; replaces arginine 395 with tryptophan.
Molecular consequence: missense variant.
Genome position (GRCh38, 1-based): chr1:16,051,004, C>T. VCF-style: chr1-16051004-C-T. GRCh37 (hg19) VCF-style: chr1-16377499-C-T.
Other names: p.Arg395Trp; c.676C>T, p.Arg226Trp (NM_001165945.2); short protein forms R226W, R395W.
Identifiers: ClinVar variation 1275155 (VCV001275155.11), dbSNP rs34255952, ClinGen allele CA623731.

ClinVar aggregate classification (germline): Benign. Review status: criteria provided, multiple submitters, no conflicts (2 of 4 stars). 4 submissions from 4 submitters: Benign (4). Last evaluated 2026-01-27.

Allele frequency attached by ClinVar (database versions not stated): gnomAD exomes 0.00173; ExAC 0.00217; gnomAD 0.00681 and 0.00745; 1000 Genomes Project 0.00719; ESP Exome Variant Server 0.00730; 1000 Genomes Project 30x 0.00843.
gnomAD v4.1: 2,133 of 1,614,074 alleles (0.13%); highest among the groups gnomAD compares: African/African-American, 2.4%; 26 homozygotes.

Submissions (4):

Labcorp Genetics (formerly Invitae), Labcorp
Classification: Benign. Last evaluated: 2026-01-27. Review status: criteria provided, single submitter. Criteria: Invitae Variant Classification Sherloc (09022015). Collection method: clinical testing. Allele origin: germline.

Mayo Clinic Laboratories, Mayo Clinic
Classification: Benign. Last evaluated: 2024-09-26. Review status: criteria provided, single submitter. Criteria: ACMG Guidelines, 2015. Collection method: clinical testing. Allele origin: germline. Observed: 4 variant alleles.
Comment: BS1, BS2, BP4

GeneDx
Classification: Benign. Last evaluated: 2020-11-11. Review status: criteria provided, single submitter. Criteria: GeneDx Variant Classification Process June 2021. Collection method: clinical testing. Allele origin: germline. Affected: yes.
Comment: This variant is associated with the following publications: (PMID: 29953267, 28381550)

Breakthrough Genomics
Classification: Benign. Review status: criteria provided, single submitter. Criteria: ACMG Guidelines, 2015. Collection method: not provided. Allele origin: germline. Inheritance: Autosomal recessive inheritance. Affected: yes.

Literature cited by the submitters: PubMed 28381550 (cited by Mayo Clinic Laboratories, Mayo Clinic); PubMed 29953267 (cited by Mayo Clinic Laboratories, Mayo Clinic).